The following is an entry in ClinVar:

ClinVar aggregate classification (germline): Uncertain significance (1 of 4 stars; one submission).

Conditions:
Myopathy, tubular aggregate, 2 (TAM2). Identifiers: MedGen C4014557, MONDO:0014383, OMIM 615883.
Combined immunodeficiency due to ORAI1 deficiency. Also called: IMMUNODEFICIENCY 9. Identifiers: Orphanet 169090, Orphanet 317428, MedGen C2748568, MONDO:0013007, OMIM 612782.

Submission:

Labcorp Genetics (formerly Invitae), Labcorp
Classification: Uncertain significance for Myopathy, tubular aggregate, 2; Combined immunodeficiency due to ORAI1 deficiency. Last evaluated: 2023-11-10. Review status: criteria provided, single submitter. Criteria: Invitae Variant Classification Sherloc (09022015). Collection method: clinical testing. Allele origin: germline.
Comment: This variant results in a copy number gain of the genomic region encompassing exon(s) 2 of the ORAI1 gene. This region includes the termination codon of the gene. This copy number gain extends beyond the assayed region for this gene and therefore may encompass additional genes. As the precise location of this event is unknown, it may be in tandem or it may be located elsewhere in the genome. This variant has not been reported in the literature in individuals affected with ORAI1-related conditions. In summary, the available evidence is currently insufficient to determine the role of this variant in disease. Therefore, it has been classified as a Variant of Uncertain Significance.

NC_000012.11:g.(?_122078927)_(122079549_?)dup

Gene: ORAI1 (ORAI calcium release-activated calcium modulator 1; plus strand). Cytogenetic location: 12q24.31.
Variant type: Duplication.
Identifiers: ClinVar variation 1437975 (VCV001437975.6).